The following is an entry in ClinVar:

ClinVar aggregate classification (germline): Uncertain significance (1 of 4 stars; one submission).

Conditions:
Long QT syndrome (LQTS). Identifiers: MedGen C0023976, MeSH D008133, MONDO:0002442. Disease mechanism: loss of function. Inheritance: Various modes of inheritance.

Allele frequency attached by ClinVar (database versions not stated): gnomAD exomes below 0.00001.
gnomAD v4.1: 2 of 1,614,016 alleles (0.00012%); highest among the groups gnomAD compares: South Asian, 0.0022%; no homozygotes.

Submission:

Labcorp Genetics (formerly Invitae), Labcorp
Classification: Uncertain significance for Long QT syndrome. Last evaluated: 2025-02-05. Review status: criteria provided, single submitter. Criteria: Invitae Variant Classification Sherloc (09022015). Collection method: clinical testing. Allele origin: germline.
Comment: This sequence change replaces serine, which is neutral and polar, with asparagine, which is neutral and polar, at codon 1674 of the ANK2 protein (p.Ser1674Asn). This variant is not present in population databases (gnomAD no frequency). This variant has not been reported in the literature in individuals affected with ANK2-related conditions. ClinVar contains an entry for this variant (Variation ID: 2789741). Invitae Evidence Modeling of protein sequence and biophysical properties (such as structural, functional, and spatial information, amino acid conservation, physicochemical variation, residue mobility, and thermodynamic stability) indicates that this missense variant is not expected to disrupt ANK2 protein function with a negative predictive value of 80%. In summary, the available evidence is currently insufficient to determine the role of this variant in disease. Therefore, it has been classified as a Variant of Uncertain Significance.

NM_001148.6(ANK2):c.5021G>A (p.Ser1674Asn)

Gene: ANK2 (ankyrin 2; plus strand). Cytogenetic location: 4q26.
Variant type: single nucleotide variant.
Coding change: c.5021G>A on transcript NM_001148.6 (MANE Select); coding-DNA position 5021, G replaced by A.
Protein change: p.Ser1674Asn; replaces serine 1674 with asparagine.
Molecular consequence: missense variant. On other transcripts: intron variant (68).
Genome position (GRCh38, 1-based): chr4:113,353,639, G>A. VCF-style: chr4-113353639-G-A. GRCh37 (hg19) VCF-style: chr4-114274795-G-A.
Other names: c.4787G>A, p.Ser1596Asn (NM_001386142.1); c.1421G>A, p.Ser474Asn (NM_001386166.1); c.5162G>A, p.Ser1721Asn (NM_001386174.1); c.5138G>A, p.Ser1713Asn (NM_001386175.1); c.4411+3390G>A (NM_001386186.2, NM_001386148.2); c.4213+3390G>A (NM_001354269.3); c.4291+3390G>A (NM_001386187.2); c.4252+3390G>A (NM_001386147.1); and 35 more; short protein forms S1596N, S1713N, S1674N, S474N, S1721N.
Identifiers: ClinVar variation 2789741 (VCV002789741.3), dbSNP rs2505281380, ClinGen allele CA357917908.